The following is an entry in ClinVar:

ClinVar aggregate classification (germline): Uncertain significance (1 of 4 stars; one submission).

Conditions:
Dyskeratosis congenita, autosomal recessive 5 (DKCB5). Identifiers: MedGen C3554656, MONDO:0014076, OMIM 615190.
Pulmonary fibrosis and/or bone marrow failure, Telomere-related, 3. Also called: PULMONARY FIBROSIS AND/OR BONE MARROW FAILURE SYNDROME, TELOMERE-RELATED, 3. Identifiers: Orphanet 2032, MedGen C4225346, MONDO:0014613, OMIM 616373.

Submission:

Labcorp Genetics (formerly Invitae), Labcorp
Classification: Uncertain significance for Dyskeratosis congenita, autosomal recessive 5; Pulmonary fibrosis and/or bone marrow failure, Telomere-related, 3. Last evaluated: 2021-05-15. Review status: criteria provided, single submitter. Criteria: Invitae Variant Classification Sherloc (09022015). Collection method: clinical testing. Allele origin: germline.
Comment: This sequence change replaces alanine with valine at codon 380 of the RTEL1 protein (p.Ala380Val). The alanine residue is weakly conserved and there is a small physicochemical difference between alanine and valine. In summary, the available evidence is currently insufficient to determine the role of this variant in disease. Therefore, it has been classified as a Variant of Uncertain Significance. Algorithms developed to predict the effect of missense changes on protein structure and function (SIFT, PolyPhen-2, Align-GVGD) all suggest that this variant is likely to be tolerated, but these predictions have not been confirmed by published functional studies and their clinical significance is uncertain. This variant has not been reported in the literature in individuals with RTEL1-related conditions. This variant is not present in population databases (ExAC no frequency).

NM_001283009.2(RTEL1):c.1139C>T (p.Ala380Val)

Genes: RTEL1 (regulator of telomere elongation helicase 1; plus strand), RTEL1-TNFRSF6B (RTEL1-TNFRSF6B readthrough (NMD candidate); plus strand). Cytogenetic location: 20q13.33.
Variant type: single nucleotide variant.
Coding change: c.1139C>T on transcript NM_001283009.2 (MANE Select); coding-DNA position 1139, C replaced by T.
Protein change: p.Ala380Val; replaces alanine 380 with valine.
Molecular consequence: missense variant. On other transcripts: non-coding transcript variant (1).
Genome position (GRCh38, 1-based): chr20:63,680,667, C>T. VCF-style: chr20-63680667-C-T. GRCh37 (hg19) VCF-style: chr20-62312020-C-T.
Other names: c.470C>T, p.Ala157Val (NM_001283010.1); c.1139C>T, p.Ala380Val (NM_016434.4); c.1211C>T, p.Ala404Val (NM_032957.5); short protein forms A157V, A404V, A380V.
Identifiers: ClinVar variation 1353776 (VCV001353776.8), dbSNP rs770836729, ClinGen allele CA409674488.
Genomic context (GRCh38, chr20:63,680,667, plus strand): 5'-TGGGGTCGGGGCCTCCCCTGCCTGCAGTGTGGGTGTCAGCGCCCTGCTGCCCTCCAGGTG[C>T]TGGAGTGTTCACCAACACGGCCGGACTGCAGAAGCTGGCGGACATTATCCAGGTGGGGCC-3'
Protein context (NP_001269938.1, residues 370-390): DQIIQHLAGR[Ala380Val]GVFTNTAGLQ